The following is an entry in ClinVar:

ClinVar aggregate classification (germline): Benign. Review status: criteria provided, multiple submitters, no conflicts (2 of 4 stars). 2 submissions from 2 submitters: Benign (2). Last evaluated 2018-01-13.

Conditions:
Keratosis follicularis (DAR). Also called: Darier disease; Darier's disease. Identifiers: Orphanet 218, MedGen C0022595, MONDO:0007417, OMIM 124200.

Allele frequency attached by ClinVar (database versions not stated): 1000 Genomes Project 0.00339; TOPMed 0.00341; gnomAD exomes 0.00542; gnomAD 0.00547 and 0.00568.
gnomAD v4.1: 1,444 of 267,932 alleles (0.54%); highest among the groups gnomAD compares: Non-Finnish European, 0.51%; 6 homozygotes.

Submissions (2):

Illumina Laboratory Services, Illumina
Classification: Benign for Keratosis follicularis. Last evaluated: 2018-01-13. Review status: criteria provided, single submitter. Criteria: ICSL Variant Classification Criteria 13 December 2019. Collection method: clinical testing. Allele origin: germline.
Comment: This variant was observed in the ICSL laboratory as part of a predisposition screen in an ostensibly healthy population. It had not been previously curated by ICSL or reported in the Human Gene Mutation Database (HGMD: prior to June 1st, 2018), and was therefore a candidate for classification through an automated scoring system. Utilizing variant allele frequency, disease prevalence and penetrance estimates, and inheritance mode, an automated score was calculated to assess if this variant is too frequent to cause the disease. Based on the score and internal cut-off values, a variant classified as benign is not then subjected to further curation. The score for this variant resulted in a classification of benign for this disease.

Breakthrough Genomics
Classification: Benign. Review status: criteria provided, single submitter. Criteria: ACMG Guidelines, 2015. Collection method: not provided. Allele origin: germline. Inheritance: Autosomal dominant inheritance. Affected: yes.

NM_170665.4(ATP2A2):c.-240G>A

Gene: ATP2A2 (ATPase sarcoplasmic/endoplasmic reticulum Ca2+ transporting 2; plus strand). Cytogenetic location: 12q24.11.
Variant type: single nucleotide variant.
Coding change: c.-240G>A on transcript NM_170665.4 (MANE Select); 240 bases upstream of the start codon, G replaced by A.
Molecular consequence: 5 prime UTR variant.
Genome position (GRCh38, 1-based): chr12:110,281,550, G>A. VCF-style: chr12-110281550-G-A. GRCh37 (hg19) VCF-style: chr12-110719355-G-A.
Other names: c.-240G>A (NM_001681.4).
Identifiers: ClinVar variation 307154 (VCV000307154.6), dbSNP rs577127824, ClinGen allele CA10640154.